The following is an entry in ClinVar:

ClinVar aggregate classification (germline): Uncertain significance (1 of 4 stars; one submission).

Conditions:
Myoclonic dystonia 26. Identifiers: MedGen C4225341, MONDO:0014620, OMIM 616398.

Allele frequency attached by ClinVar (database versions not stated): TOPMed below 0.00001.

Submission:

Labcorp Genetics (formerly Invitae), Labcorp
Classification: Uncertain significance for Myoclonic dystonia 26. Last evaluated: 2023-04-26. Review status: criteria provided, single submitter. Criteria: Invitae Variant Classification Sherloc (09022015). Collection method: clinical testing. Allele origin: germline.
Comment: In summary, the available evidence is currently insufficient to determine the role of this variant in disease. Therefore, it has been classified as a Variant of Uncertain Significance. An algorithm developed to predict the effect of missense changes on protein structure and function (PolyPhen-2) suggests that this variant is likely to be tolerated. This variant has not been reported in the literature in individuals affected with KCTD17-related conditions. This variant is not present in population databases (gnomAD no frequency). This sequence change replaces alanine, which is neutral and non-polar, with serine, which is neutral and polar, at codon 21 of the KCTD17 protein (p.Ala21Ser).

NM_001282684.2(KCTD17):c.40G>T (p.Ala14Ser)

Genes: KCTD17 (potassium channel tetramerization domain containing 17; plus strand), LOC130067340 (ATAC-STARR-seq lymphoblastoid silent region 13677; plus strand). Cytogenetic location: 22q12.3.
Variant type: single nucleotide variant.
Coding change: c.40G>T on transcript NM_001282684.2 (MANE Select); coding-DNA position 40, G replaced by T.
Protein change: p.Ala14Ser; replaces alanine 14 with serine.
Molecular consequence: missense variant.
Genome position (GRCh38, 1-based): chr22:37,051,800, G>T. VCF-style: chr22-37051800-G-T. GRCh37 (hg19) VCF-style: chr22-37447840-G-T.
Other names: c.40G>T, p.Ala14Ser (NM_001282685.2, NM_001282686.2, NM_024681.4); short protein forms A14S.
Identifiers: ClinVar variation 2888261 (VCV002888261.3), dbSNP rs1355477244, ClinGen allele CA411412554.